The following is an entry in ClinVar:

ClinVar aggregate classification (germline): Uncertain significance (1 of 4 stars; one submission).

Conditions:
Hereditary sensory and autonomic neuropathy type 6. Also called: HSAN VI; Neuropathy, hereditary sensory and autonomic, type VI. Identifiers: Orphanet 314381, MedGen C3539003, MONDO:0013839, OMIM 614653.
Epidermolysis bullosa simplex 3, localized or generalized intermediate, with BP230 deficiency (EBS3). Also called: Epidermolysis bullosa simplex, autosomal recessive 2; Epidermolysis bullosa simplex due to BP230 deficiency. Identifiers: Orphanet 412181, MedGen C3809470, MONDO:0014180, OMIM 615425.

Allele frequency attached by ClinVar (database versions not stated): gnomAD exomes below 0.00001.
gnomAD v4.1: 4 of 1,613,700 alleles (0.00025%); highest among the groups gnomAD compares: Admixed American, 0.0033%; no homozygotes.

Submission:

Labcorp Genetics (formerly Invitae), Labcorp
Classification: Uncertain significance for Epidermolysis bullosa simplex 3, localized or generalized intermediate, with BP230 deficiency; Hereditary sensory and autonomic neuropathy type 6. Last evaluated: 2022-08-16. Review status: criteria provided, single submitter. Criteria: Invitae Variant Classification Sherloc (09022015). Collection method: clinical testing. Allele origin: germline.
Comment: In summary, the available evidence is currently insufficient to determine the role of this variant in disease. Therefore, it has been classified as a Variant of Uncertain Significance. This sequence change replaces histidine, which is basic and polar, with arginine, which is basic and polar, at codon 3313 of the DST protein (p.His3313Arg). The DST gene has multiple clinically relevant transcripts. This variant occurs in alternate transcript NM_015548.4, and corresponds to NM_001723.5:c.*87909A>G in the primary transcript. This variant is present in population databases (no rsID available, gnomAD no frequency). This variant has not been reported in the literature in individuals affected with DST-related conditions. Experimental studies and prediction algorithms are not available or were not evaluated, and the functional significance of this variant is currently unknown.

NM_001374736.1(DST):c.17807A>G (p.His5936Arg)

Gene: DST (dystonin; minus strand). Cytogenetic location: 6p12.1.
Variant type: single nucleotide variant.
Coding change: c.17807A>G on transcript NM_001374736.1 (MANE Select); coding-DNA position 17807, A replaced by G.
Protein change: p.His5936Arg; replaces histidine 5936 with arginine.
Molecular consequence: missense variant.
Genome position (GRCh38, 1-based): chr6:56,527,608, T>C on the plus strand (A>G on the coding strand, the complement: DST is on the minus strand). VCF-style: chr6-56527608-T-C. GRCh37 (hg19) VCF-style: chr6-56392406-T-C.
Other names: c.11450A>G, p.His3817Arg (NM_001144769.5); c.11036A>G, p.His3679Arg (NM_001144770.2); c.17807A>G, p.His5936Arg (NM_001374722.1); c.16847A>G, p.His5616Arg (NM_001374729.1); c.10589A>G, p.His3530Arg (NM_001374730.1); c.17834A>G, p.His5945Arg (NM_001374734.1); c.10916A>G, p.His3639Arg (NM_001386100.1, NM_183380.4); c.9938A>G, p.His3313Arg (NM_015548.5); short protein forms H3313R, H3679R, H3530R, H3639R, H5616R, H5936R, H3817R, H5945R.
Identifiers: ClinVar variation 1348988 (VCV001348988.6), dbSNP rs1462409536, ClinGen allele CA364506286.